The following is an entry in ClinVar:

ClinVar aggregate classification (germline): Uncertain significance. Review status: criteria provided, multiple submitters, no conflicts (2 of 4 stars). 4 submissions from 3 submitters: Uncertain significance (4). Last evaluated 2023-02-08.

Conditions:
Primary dilated cardiomyopathy (DCM). Also called: Dilated Cardiomyopathy. Identifiers: Orphanet 217604, MedGen C0007193, MeSH D002311, MONDO:0005021, HP:0001644. Inheritance: Various modes of inheritance.
Dilated cardiomyopathy 1L (CMD1L). Identifiers: Orphanet 154, MedGen C1847667, MONDO:0011702, OMIM 606685.
Autosomal recessive limb-girdle muscular dystrophy type 2F (LGMDR6). Also called: Muscular dystrophy limb-girdle with delta-sarcoglyan deficiency; MUSCULAR DYSTROPHY, LIMB-GIRDLE, AUTOSOMAL RECESSIVE 6. Identifiers: Orphanet 219, MedGen C1832525, MONDO:0011028, OMIM 601287. Disease mechanism: Affects gamma-sarcoglycan and also disrupts the integrity of the entire sarcoglycan complex..

gnomAD v4.1: 1 of 1,587,534 alleles (0.000063%); no homozygotes.

Submissions (4):

Genome-Nilou Lab
Classification: Uncertain significance for Autosomal recessive limb-girdle muscular dystrophy type 2F. Last evaluated: 2023-02-08. Review status: criteria provided, single submitter. Criteria: ACMG Guidelines, 2015. Collection method: clinical testing. Allele origin: germline.

Genome-Nilou Lab
Classification: Uncertain significance for Dilated cardiomyopathy 1L. Last evaluated: 2023-02-08. Review status: criteria provided, single submitter. Criteria: ACMG Guidelines, 2015. Collection method: clinical testing. Allele origin: germline.

GeneDx
Classification: Uncertain significance. Last evaluated: 2020-02-07. Review status: criteria provided, single submitter. Criteria: GeneDx Variant Classification Process June 2021. Collection method: clinical testing. Allele origin: germline. Affected: yes.
Comment: Not observed in large population cohorts (Lek et al., 2016); In silico analysis supports that this missense variant has a deleterious effect on protein structure/function; Has not been previously published as pathogenic or benign to our knowledge

Genetics and Genomics Program, Sidra Medicine
Classification: Uncertain significance for Primary dilated cardiomyopathy. Review status: criteria provided, single submitter. Criteria: ACMG Guidelines, 2015. Collection method: research. Allele origin: unknown. Affected: yes. Observed: 1 variant allele.

NM_000337.6(SGCD):c.538A>T (p.Thr180Ser)

Gene: SGCD (sarcoglycan delta; plus strand). Cytogenetic location: 5q33.3.
Variant type: single nucleotide variant.
Coding change: c.538A>T on transcript NM_000337.6 (MANE Select); coding-DNA position 538, A replaced by T.
Protein change: p.Thr180Ser; replaces threonine 180 with serine.
Molecular consequence: missense variant.
Genome position (GRCh38, 1-based): chr5:156,647,499, A>T. VCF-style: chr5-156647499-A-T. GRCh37 (hg19) VCF-style: chr5-156074509-A-T.
Other names: c.535A>T, p.Thr179Ser (NM_001128209.2); c.538A>T, p.Thr180Ser (NM_172244.3); short protein forms T179S, T180S.
Identifiers: ClinVar variation 694557 (VCV000694557.5), dbSNP rs1187720404, ClinGen allele CA362008229.
Genomic context (GRCh38, chr5:156,647,499, plus strand): 5'-GTTTGCTTTTCTGTTTTGTTTACAGGAGCGGAGGGCACAGTGTTCCCTAAATCTATAGAA[A>T]CACCTAATGTCAGGGCAGACCCCTTCAAAGAACTAAGGTAAACTTCTGACTTTGGTTTGC-3'
Protein context (NP_000328.2, residues 170-190): EGTVFPKSIE[Thr180Ser]PNVRADPFKE